The following is an entry in ClinVar:

NM_153603.4(COG7):c.1888-17G>A

Gene: COG7 (component of oligomeric golgi complex 7; minus strand). Cytogenetic location: 16p12.2.
Variant type: single nucleotide variant.
Coding change: c.1888-17G>A on transcript NM_153603.4 (MANE Select); 17 bases into the intron before coding-DNA position 1888, G replaced by A.
Molecular consequence: intron variant.
Genome position (GRCh38, 1-based): chr16:23,393,364, C>T on the plus strand (G>A on the coding strand, the complement: COG7 is on the minus strand). VCF-style: chr16-23393364-C-T. GRCh37 (hg19) VCF-style: chr16-23404685-C-T.
Identifiers: ClinVar variation 380495 (VCV000380495.9), dbSNP rs112887835, ClinGen allele CA7960837.

ClinVar aggregate classification (germline): Benign/Likely benign. Review status: criteria provided, multiple submitters, no conflicts (2 of 4 stars). 2 submissions from 2 submitters: Benign (1); Likely benign (1). Last evaluated 2026-02-01.

Conditions:
COG7 congenital disorder of glycosylation (CDG2E). Also called: CDG IIe; CONGENITAL DISORDER OF GLYCOSYLATION, TYPE IIe. Identifiers: Orphanet 79333, MedGen C2931010, MONDO:0012118, OMIM 608779.

Allele frequency attached by ClinVar (database versions not stated): gnomAD exomes 0.00012 and 0.00024; ExAC 0.00030; TOPMed 0.00085; gnomAD 0.00086 and 0.00088; ESP Exome Variant Server 0.00108; 1000 Genomes Project 30x 0.00125; 1000 Genomes Project 0.00140.
gnomAD v4.1: 314 of 1,577,550 alleles (0.02%); highest among the groups gnomAD compares: African/African-American, 0.33%; 1 homozygote.

Submissions (2):

Labcorp Genetics (formerly Invitae), Labcorp
Classification: Benign for COG7 congenital disorder of glycosylation. Last evaluated: 2026-02-01. Review status: criteria provided, single submitter. Criteria: Invitae Variant Classification Sherloc (09022015). Collection method: clinical testing. Allele origin: germline.

GeneDx
Classification: Likely benign. Last evaluated: 2016-04-26. Review status: criteria provided, single submitter. Criteria: GeneDx Variant Classification (06012015). Collection method: clinical testing. Allele origin: germline. Affected: yes.
Comment: This variant is considered likely benign or benign based on one or more of the following criteria: it is a conservative change, it occurs at a poorly conserved position in the protein, it is predicted to be benign by multiple in silico algorithms, and/or has population frequency not consistent with disease.